The following is an entry in ClinVar:

NM_002432.3(MNDA):c.695A>G (p.Lys232Arg)

Gene: MNDA (myeloid cell nuclear differentiation antigen; plus strand). Cytogenetic location: 1q23.1.
Variant type: single nucleotide variant.
Coding change: c.695A>G on transcript NM_002432.3 (MANE Select); coding-DNA position 695, A replaced by G.
Protein change: p.Lys232Arg; replaces lysine 232 with arginine.
Molecular consequence: missense variant.
Genome position (GRCh38, 1-based): chr1:158,845,711, A>G. VCF-style: chr1-158845711-A-G. GRCh37 (hg19) VCF-style: chr1-158815501-A-G.
Other names: short protein forms K232R.
Identifiers: ClinVar variation 3222207 (VCV003222207.1), dbSNP rs2526087535, ClinGen allele CA343041100.

ClinVar aggregate classification (germline): Uncertain significance (1 of 4 stars; one submission).

Submission:

Ambry Genetics
Classification: Uncertain significance. Last evaluated: 2023-12-20. Review status: criteria provided, single submitter. Criteria: Ambry Variant Classification Scheme 2023. Collection method: clinical testing. Allele origin: germline.
Comment: The p.K232R variant (also known as c.695A>G), located in coding exon 4 of the MNDA gene, results from an A to G substitution at nucleotide position 695. The lysine at codon 232 is replaced by arginine, an amino acid with highly similar properties. This amino acid position is conserved. In addition, this alteration is predicted to be tolerated by in silico analysis. Since supporting evidence is limited at this time, the clinical significance of this alteration remains unclear.